The following is an entry in ClinVar:

ClinVar aggregate classification (germline): Uncertain significance (1 of 4 stars; one submission).

Conditions:
Megalencephaly-polymicrogyria-postaxial polydactyly-hydrocephalus syndrome. Also called: MPPH Syndrome; MEG-PMG-MEGACC SYNDROME. Identifiers: Orphanet 83473, MedGen C1863924, MONDO:0019375.

gnomAD v4.1: 31 of 1,537,372 alleles (0.002%); highest among the groups gnomAD compares: Non-Finnish European, 0.0012%; no homozygotes.

Submission:

Labcorp Genetics (formerly Invitae), Labcorp
Classification: Uncertain significance for Megalencephaly-polymicrogyria-postaxial polydactyly-hydrocephalus syndrome. Last evaluated: 2024-07-03. Review status: criteria provided, single submitter. Criteria: Invitae Variant Classification Sherloc (09022015). Collection method: clinical testing. Allele origin: germline.
Comment: This sequence change replaces alanine, which is neutral and non-polar, with aspartic acid, which is acidic and polar, at codon 718 of the PIK3R2 protein (p.Ala718Asp). This variant is present in population databases (no rsID available, gnomAD 0.04%). This variant has not been reported in the literature in individuals affected with PIK3R2-related conditions. Advanced modeling of protein sequence and biophysical properties (such as structural, functional, and spatial information, amino acid conservation, physicochemical variation, residue mobility, and thermodynamic stability) performed at Invitae indicates that this missense variant is not expected to disrupt PIK3R2 protein function with a negative predictive value of 80%. In summary, the available evidence is currently insufficient to determine the role of this variant in disease. Therefore, it has been classified as a Variant of Uncertain Significance.

NM_005027.4(PIK3R2):c.2153C>A (p.Ala718Asp)

Gene: PIK3R2 (phosphoinositide-3-kinase regulatory subunit 2; plus strand). Cytogenetic location: 19p13.11.
Variant type: single nucleotide variant.
Coding change: c.2153C>A on transcript NM_005027.4 (MANE Select); coding-DNA position 2153, C replaced by A.
Protein change: p.Ala718Asp; replaces alanine 718 with aspartic acid.
Molecular consequence: missense variant. On other transcripts: non-coding transcript variant (2).
Genome position (GRCh38, 1-based): chr19:18,169,260, C>A. VCF-style: chr19-18169260-C-A. GRCh37 (hg19) VCF-style: chr19-18280070-C-A.
Other names: short protein forms A718D.
Identifiers: ClinVar variation 3666614 (VCV003666614.2).
Genomic context (GRCh38, chr19:18,169,260, plus strand): 5'-ACGCCTCGCTGGTGCAGCACAACGACGCGCTCACCGTCACCCTGGCGCACCCAGTGCGCG[C>A]CCCGGGCCCCGGCCCGCCGCCTGCCGCCCGCTGAGCACCGAGGACCCGCCCCAAGCAGAG-3'
Protein context (NP_005018.2, residues 708-728): LTVTLAHPVR[Ala718Asp]PGPGPPPAAR